The following is an entry in ClinVar:

NM_004100.5(EYA4):c.61del (p.Val21fs)

Gene: EYA4 (EYA transcriptional coactivator and phosphatase 4; plus strand). Cytogenetic location: 6q23.2.
Variant type: Deletion.
Coding change: c.61del on transcript NM_004100.5 (MANE Select); coding-DNA position 61, one base deleted (G; older notation c.61delG).
Protein change: p.Val21fs; shifts the reading frame from valine 21.
Molecular consequence: frameshift variant.
Genome position (GRCh38, 1-based): chr6:133,382,419, G deleted. VCF-style (leftmost placement, unchanged base first): chr6-133382418-TG-T. GRCh37 (hg19) VCF-style: chr6-133703556-TG-T.
Other names: c.61del, p.Val21fs (NM_001301012.2, NM_001301013.2, NM_001370458.1 and 3 more transcripts); c.61del (NM_004100.4); short protein forms V21fs.
Identifiers: ClinVar variation 1896684 (VCV001896684.6), dbSNP rs2484393292, ClinGen allele CA2580075022.
Genomic context (GRCh38, chr6:133,382,418, plus strand): 5'-TCATATGAGAATAACTAGTACTCTTTTCTTACAGGTAAAGAAAACGTGCACAGAATCAGA[TG>T]TTTCACAATCTCAGAATTCCAGGTACAGTAAAATAAAGACCAAGACTCCCCTAAGGAGAA-3'

ClinVar aggregate classification (germline): Pathogenic/Likely pathogenic. Review status: criteria provided, multiple submitters, no conflicts (2 of 4 stars). 2 submissions from 2 submitters: Pathogenic (1); Likely pathogenic (1). Last evaluated 2025-05-05.

Conditions:
Dilated cardiomyopathy 1J (CMD1J). Also called: CARDIOMYOPATHY, DILATED, WITH SENSORINEURAL HEARING LOSS, AUTOSOMAL DOMINANT. Identifiers: Orphanet 217622, MedGen C1854368, MONDO:0011541, OMIM 605362.

Submissions (2):

GeneDx
Classification: Likely pathogenic. Last evaluated: 2025-05-05. Review status: criteria provided, single submitter. Criteria: GeneDx Variant Classification Process June 2021. Collection method: clinical testing. Allele origin: germline. Affected: yes.
Comment: Frameshift variant predicted to result in protein truncation or nonsense mediated decay in a gene for which loss of function is a known mechanism of disease; Not observed at significant frequency in large population cohorts (gnomAD); Has not been previously published as pathogenic or benign to our knowledge

Labcorp Genetics (formerly Invitae), Labcorp
Classification: Pathogenic for Dilated cardiomyopathy 1J. Last evaluated: 2024-12-09. Review status: criteria provided, single submitter. Criteria: Invitae Variant Classification Sherloc (09022015). Collection method: clinical testing. Allele origin: germline.
Comment: This sequence change creates a premature translational stop signal (p.Val21Phefs*15) in the EYA4 gene. It is expected to result in an absent or disrupted protein product. Loss-of-function variants in EYA4 are known to be pathogenic (PMID: 11159937, 25781927, 25963406). This variant is not present in population databases (gnomAD no frequency). This variant has not been reported in the literature in individuals affected with EYA4-related conditions. ClinVar contains an entry for this variant (Variation ID: 1896684). For these reasons, this variant has been classified as Pathogenic.

Literature cited by the submitters: PubMed 11159937 (cited by Labcorp Genetics (formerly Invitae), Labcorp); PubMed 25781927 (cited by Labcorp Genetics (formerly Invitae), Labcorp); PubMed 25963406 (cited by Labcorp Genetics (formerly Invitae), Labcorp).